The following is an entry in ClinVar:

ClinVar aggregate classification (germline): Pathogenic (1 of 4 stars; one submission).

Conditions:
Intellectual developmental disorder, autosomal dominant 1. Also called: Intellectual disability, autosomal dominant 1; MBD5 Haploinsufficiency. Identifiers: Orphanet 228402, MedGen C1969562, MONDO:0007974, OMIM 156200.

Submission:

Labcorp Genetics (formerly Invitae), Labcorp
Classification: Pathogenic for Intellectual developmental disorder, autosomal dominant 1. Last evaluated: 2020-04-09. Review status: criteria provided, single submitter. Criteria: Invitae Variant Classification Sherloc (09022015). Collection method: clinical testing. Allele origin: germline.
Comment: This sequence change creates a premature translational stop signal (p.Gly155Ilefs*5) in the MBD5 gene. It is expected to result in an absent or disrupted protein product. This variant is not present in population databases (ExAC no frequency). This variant has not been reported in the literature in individuals with MBD5-related conditions. Loss-of-function variants in MBD5 are known to be pathogenic (PMID: 23422940, 23587880). For these reasons, this variant has been classified as Pathogenic.

Literature cited by the submitters: PubMed 23422940; PubMed 23587880.

NM_001378120.1(MBD5):c.469_476del (p.Thr157fs)

Gene: MBD5 (methyl-CpG binding domain protein 5; plus strand). Cytogenetic location: 2q23.1.
Variant type: Deletion.
Coding change: c.469_476del on transcript NM_001378120.1 (MANE Select); coding-DNA positions 469 to 476, 8 bases deleted (ACAAATTC; older notation c.469_476delACAAATTC).
Protein change: p.Thr157fs; shifts the reading frame from threonine 157.
Molecular consequence: frameshift variant.
Genome position (GRCh38, 1-based): chr2:148,468,412-148,468,419, ACAAATTC deleted. VCF-style (leftmost placement, unchanged base first): chr2-148468411-TACAAATTC-T. GRCh37 (hg19) VCF-style: chr2-149225980-TACAAATTC-T.
Other names: c.469_476del, p.Thr157fs (NM_018328.5); short protein forms T157fs.
Identifiers: ClinVar variation 1069933 (VCV001069933.2), dbSNP rs2105622677, ClinGen allele CA2499214976.